The following is an entry in ClinVar:

NM_001081.4(CUBN):c.10529-101_10529-100del

Gene: CUBN (cubilin; minus strand). Cytogenetic location: 10p13.
Variant type: Microsatellite.
Coding change: c.10529-101_10529-100del on transcript NM_001081.4 (MANE Select); 101 bases into the intron before coding-DNA position 10529 through 100 bases into the intron before coding-DNA position 10529, 2 bases deleted (AG; older notation c.10529-101_10529-100delAG).
Molecular consequence: intron variant.
Genome position (GRCh38, 1-based): chr10:16,829,140-16,829,141, CT deleted on the plus strand (AG on the coding strand, the reverse complement: CUBN is on the minus strand); deleting any 2 consecutive bases within chr10:16,829,140-16,829,143 gives the same sequence; the c. name uses the placement nearest the transcript's 3' end. VCF-style (leftmost placement, unchanged base first): chr10-16829139-ACT-A. GRCh37 (hg19) VCF-style: chr10-16871138-ACT-A.
Identifiers: ClinVar variation 1704884 (VCV001704884.2), dbSNP rs564594778, ClinGen allele CA203533793.
Genomic context (GRCh38, chr10:16,829,139, plus strand): 5'-ATATAAGCCGTCCAGTCTGGCTTGTTAGGCAATAAGACTTTATTTTCTTAAGGTGCTGAG[ACT>A]CTGCAAGAATAATGGAGGCAGAAATCCCTTTTCCTTTTCCTCTTCTTTGGGCTACACCCT-3'

ClinVar aggregate classification (germline): Likely benign (1 of 4 stars; one submission).

Submission:

GeneDx
Classification: Likely benign. Last evaluated: 2021-02-25. Review status: criteria provided, single submitter. Criteria: GeneDx Variant Classification Process June 2021. Collection method: clinical testing. Allele origin: germline. Affected: yes.
Comment: See Variant Classification Assertion Criteria.